The following is an entry in ClinVar:

ClinVar aggregate classification (germline): Likely pathogenic (1 of 4 stars; one submission).

Conditions:
ACTG1-related disorder. Also called: ACTG1-related disorders; ACTG1-related condition.

Submission:

PreventionGenetics, part of Exact Sciences
Classification: Likely pathogenic for ACTG1-related condition. Last evaluated: 2025-12-29. Review status: criteria provided, single submitter. Criteria: ACMG Guidelines, 2015. Collection method: clinical testing. Allele origin: germline.
Comment: The ACTG1 c.351G>C variant is predicted to result in the amino acid substitution p.Glu117Asp. To our knowledge, this variant has not been reported in the literature or in a large population database (gnomAD), indicating this variant is rare. This variant is interpreted as likely pathogenic.

NM_001614.5(ACTG1):c.351G>C (p.Glu117Asp)

Gene: ACTG1 (actin gamma 1; minus strand). Cytogenetic location: 17q25.3.
Variant type: single nucleotide variant.
Coding change: c.351G>C on transcript NM_001614.5 (MANE Select); coding-DNA position 351, G replaced by C.
Protein change: p.Glu117Asp; replaces glutamic acid 117 with aspartic acid.
Molecular consequence: missense variant. On other transcripts: non-coding transcript variant (1).
Genome position (GRCh38, 1-based): chr17:81,511,915, C>G on the plus strand (G>C on the coding strand, the complement: ACTG1 is on the minus strand). VCF-style: chr17-81511915-C-G. GRCh37 (hg19) VCF-style: chr17-79478941-C-G.
Other names: c.351G>C, p.Glu117Asp (NM_001199954.3); short protein forms E117D.
Identifiers: ClinVar variation 4996265 (VCV004996265.1).